The following is an entry in ClinVar:

NM_013447.4(ADGRE2):c.2437A>T (p.Lys813Ter)

Gene: ADGRE2 (adhesion G protein-coupled receptor E2; minus strand). Cytogenetic location: 19p13.12.
Variant type: single nucleotide variant.
Coding change: c.2437A>T on transcript NM_013447.4 (MANE Select); coding-DNA position 2437, A replaced by T.
Protein change: p.Lys813Ter; replaces lysine 813 with a stop codon.
Molecular consequence: nonsense.
Genome position (GRCh38, 1-based): chr19:14,743,446, T>A on the plus strand (A>T on the coding strand, the complement: ADGRE2 is on the minus strand). VCF-style: chr19-14743446-T-A. GRCh37 (hg19) VCF-style: chr19-14854258-T-A.
Other names: c.2263A>T, p.Lys755Ter (NM_001271052.1); c.2290A>T, p.Lys764Ter (NM_152916.2); c.2158A>T, p.Lys720Ter (NM_152917.2); short protein forms K720*, K755*, K764*, K813*.
Identifiers: ClinVar variation 1905126 (VCV001905126.5), dbSNP rs758950184, ClinGen allele CA9257385.

ClinVar aggregate classification (germline): Uncertain significance (1 of 4 stars; one submission).

Allele frequency attached by ClinVar (database versions not stated): TOPMed below 0.00001; ExAC 0.00001; gnomAD 0.00001.
gnomAD v4.1: 1 of 1,614,058 alleles (0.000062%); highest among the groups gnomAD compares: Non-Finnish European, 0.000085%; no homozygotes.

Submission:

Labcorp Genetics (formerly Invitae), Labcorp
Classification: Uncertain significance. Last evaluated: 2022-03-26. Review status: criteria provided, single submitter. Criteria: Invitae Variant Classification Sherloc (09022015). Collection method: clinical testing. Allele origin: germline.
Comment: In summary, the available evidence is currently insufficient to determine the role of this variant in disease. Therefore, it has been classified as a Variant of Uncertain Significance. Experimental studies and prediction algorithms are not available or were not evaluated, and the functional significance of this variant is currently unknown. This variant has not been reported in the literature in individuals affected with ADGRE2-related conditions. This variant is not present in population databases (gnomAD no frequency). This sequence change creates a premature translational stop signal (p.Lys813*) in the ADGRE2 gene. While this is not anticipated to result in nonsense mediated decay, it is expected to disrupt the last 11 amino acid(s) of the ADGRE2 protein.